The following is an entry in ClinVar:

ClinVar aggregate classification (germline): Conflicting classifications of pathogenicity. Review status: criteria provided, conflicting classifications (1 of 4 stars). 3 submissions from 3 submitters: Uncertain significance (2); Likely benign (1). Last evaluated 2026-08-14.

Conditions:
Inborn genetic diseases. Identifiers: MedGen C0950123, MeSH D030342.
HSPG2-related disorder. Also called: HSPG2-related condition; HSPG2-related disorders.

Allele frequency attached by ClinVar (database versions not stated): ExAC 0.00001; gnomAD exomes 0.00001; gnomAD 0.00003; TOPMed 0.00003; ESP Exome Variant Server 0.00008.

Submissions (3):

PreventionGenetics, part of Exact Sciences
Classification: Uncertain significance for HSPG2-related condition. Last evaluated: 2026-08-14. Review status: criteria provided, single submitter. Criteria: ACMG Guidelines, 2015. Collection method: clinical testing. Allele origin: germline.
Comment: The HSPG2 c.832G>A variant is predicted to result in the amino acid substitution p.Gly278Ser. To our knowledge, this variant has not been reported in the literature. This variant is reported in 0.0018% of alleles in individuals of European (Non-Finnish) descent in gnomAD. At this time, the clinical significance of this variant is uncertain due to the absence of conclusive functional and genetic evidence.

Ambry Genetics
Classification: Likely benign for Inborn genetic diseases. Last evaluated: 2025-04-03. Review status: criteria provided, single submitter. Criteria: Ambry Variant Classification Scheme 2023. Collection method: clinical testing. Allele origin: germline.

GeneDx
Classification: Uncertain significance. Last evaluated: 2019-10-11. Review status: criteria provided, single submitter. Criteria: GeneDx Variant Classification Process June 2021. Collection method: clinical testing. Allele origin: germline. Affected: yes.
Comment: Not observed [at a significant frequency] in large population cohorts (Lek et al., 2016); In silico analysis, which includes protein predictors and evolutionary conservation, supports that this variant does not alter protein structure/function; Has not been previously published as pathogenic or benign to our knowledge; In-silico analysis, which includes splice predictors and evolutionary conservation, is inconclusive as to whether the variant alters gene splicing. In the absence of RNA/functional studies, the actual effect of this sequence change is unknown.

NM_005529.7(HSPG2):c.832G>A (p.Gly278Ser)

Gene: HSPG2 (heparan sulfate proteoglycan 2; minus strand). Cytogenetic location: 1p36.12.
Variant type: single nucleotide variant.
Coding change: c.832G>A on transcript NM_005529.7 (MANE Select); coding-DNA position 832, G replaced by A.
Protein change: p.Gly278Ser; replaces glycine 278 with serine.
Molecular consequence: missense variant.
Genome position (GRCh38, 1-based): chr1:21,887,546, C>T on the plus strand (G>A on the coding strand, the complement: HSPG2 is on the minus strand). VCF-style: chr1-21887546-C-T. GRCh37 (hg19) VCF-style: chr1-22214039-C-T.
Other names: c.832G>A (NM_005529.6); c.832G>A, p.Gly278Ser (NM_001291860.2); short protein forms G278S.
Identifiers: ClinVar variation 1309328 (VCV001309328.4), dbSNP rs371384177, ClinGen allele CA673685.